The following is an entry in ClinVar:

ClinVar aggregate classification (germline): Uncertain significance. Review status: criteria provided, multiple submitters, no conflicts (2 of 4 stars). 2 submissions from 2 submitters: Uncertain significance (2). Last evaluated 2024-03-29.

Allele frequency attached by ClinVar (database versions not stated): gnomAD exomes below 0.00001; TOPMed 0.00001.
gnomAD v4.1: 5 of 1,613,438 alleles (0.00031%); highest among the groups gnomAD compares: Non-Finnish European, 0.00042%; no homozygotes.

Submissions (2):

Labcorp Genetics (formerly Invitae), Labcorp
Classification: Uncertain significance. Last evaluated: 2024-03-29. Review status: criteria provided, single submitter. Criteria: Invitae Variant Classification Sherloc (09022015). Collection method: clinical testing. Allele origin: germline.
Comment: This sequence change falls in intron 16 of the SBF1 gene. It does not directly change the encoded amino acid sequence of the SBF1 protein. It affects a nucleotide within the consensus splice site. This variant is not present in population databases (gnomAD no frequency). This variant has not been reported in the literature in individuals affected with SBF1-related conditions. ClinVar contains an entry for this variant (Variation ID: 624002). Variants that disrupt the consensus splice site are a relatively common cause of aberrant splicing (PMID: 17576681, 9536098). Algorithms developed to predict the effect of sequence changes on RNA splicing suggest that this variant is not likely to affect RNA splicing. In summary, the available evidence is currently insufficient to determine the role of this variant in disease. Therefore, it has been classified as a Variant of Uncertain Significance.

CeGaT Center for Human Genetics Tuebingen
Classification: Uncertain significance. Last evaluated: 2018-06-01. Review status: criteria provided, single submitter. Criteria: CeGaT Center For Human Genetics Tuebingen Variant Classification Criteria Version 2. Collection method: clinical testing. Allele origin: germline. Affected: yes. Observed: 1 variant allele.

Literature cited by the submitters: PubMed 17576681 (cited by Labcorp Genetics (formerly Invitae), Labcorp); PubMed 9536098 (cited by Labcorp Genetics (formerly Invitae), Labcorp).

NM_002972.4(SBF1):c.1899+3G>A

Gene: SBF1 (SET binding factor 1; minus strand). Cytogenetic location: 22q13.33.
Variant type: single nucleotide variant.
Coding change: c.1899+3G>A on transcript NM_002972.4 (MANE Select); 3 bases into the intron after coding-DNA position 1899, G replaced by A.
Molecular consequence: intron variant.
Genome position (GRCh38, 1-based): chr22:50,463,280, C>T on the plus strand (G>A on the coding strand, the complement: SBF1 is on the minus strand). VCF-style: chr22-50463280-C-T. GRCh37 (hg19) VCF-style: chr22-50901709-C-T.
Other names: c.1902+3G>A (NM_001365819.1).
Identifiers: ClinVar variation 624002 (VCV000624002.46), dbSNP rs1044737001, ClinGen allele CA325532880.